The following is an entry in ClinVar:

ClinVar aggregate classification (germline): Uncertain significance. Review status: criteria provided, multiple submitters, no conflicts (2 of 4 stars). 2 submissions from 2 submitters: Uncertain significance (2). Last evaluated 2024-07-24.

Conditions:
Haddad syndrome (OHD). Also called: Ondine-Hirschsprung disease. Identifiers: Orphanet 99803, MedGen C1859049, MONDO:0020493.
Hereditary cancer-predisposing syndrome. Also called: Tumor predisposition; Hereditary neoplastic syndrome; Hereditary Cancer Syndrome; Neoplastic Syndromes, Hereditary. Identifiers: Orphanet 140162, MedGen C0027672, MeSH D009386, MONDO:0015356.

Submissions (2):

Ambry Genetics
Classification: Uncertain significance for Hereditary cancer-predisposing syndrome. Last evaluated: 2024-07-24. Review status: criteria provided, single submitter. Criteria: Ambry Variant Classification Scheme 2023. Collection method: clinical testing. Allele origin: germline.
Comment: The p.P284T variant (also known as c.850C>A), located in coding exon 3 of the PHOX2B gene, results from a C to A substitution at nucleotide position 850. The proline at codon 284 is replaced by threonine, an amino acid with highly similar properties. This amino acid position is conserved. In addition, the in silico prediction for this alteration is inconclusive. Based on the available evidence, the clinical significance of this variant remains unclear.

Labcorp Genetics (formerly Invitae), Labcorp
Classification: Uncertain significance for Haddad syndrome. Last evaluated: 2021-10-12. Review status: criteria provided, single submitter. Criteria: Invitae Variant Classification Sherloc (09022015). Collection method: clinical testing. Allele origin: germline.
Comment: Algorithms developed to predict the effect of missense changes on protein structure and function are either unavailable or do not agree on the potential impact of this missense change (SIFT: "Deleterious"; PolyPhen-2: "Not Available"; Align-GVGD: "Class C0"). This sequence change replaces proline with threonine at codon 284 of the PHOX2B protein (p.Pro284Thr). The proline residue is highly conserved and there is a small physicochemical difference between proline and threonine. This variant is not present in population databases (ExAC no frequency). This variant has not been reported in the literature in individuals affected with PHOX2B-related conditions. In summary, the available evidence is currently insufficient to determine the role of this variant in disease. Therefore, it has been classified as a Variant of Uncertain Significance.

NM_003924.4(PHOX2B):c.850C>A (p.Pro284Thr)

Gene: PHOX2B (paired like homeobox 2B; minus strand). Cytogenetic location: 4p13.
Variant type: single nucleotide variant.
Coding change: c.850C>A on transcript NM_003924.4 (MANE Select); coding-DNA position 850, C replaced by A.
Protein change: p.Pro284Thr; replaces proline 284 with threonine.
Molecular consequence: missense variant.
Genome position (GRCh38, 1-based): chr4:41,745,902, G>T on the plus strand (C>A on the coding strand, the complement: PHOX2B is on the minus strand). VCF-style: chr4-41745902-G-T. GRCh37 (hg19) VCF-style: chr4-41747919-G-T.
Other names: c.850C>A (NM_003924.3); short protein forms P284T.
Identifiers: ClinVar variation 1463309 (VCV001463309.7), dbSNP rs2153112743, ClinGen allele CA356736996.
Genomic context (GRCh38, chr4:41,745,902, plus strand): 5'-CACCGTTGGGTCTTTGGAGCGAAGATAGGACGCTGGCGAAGGGACCCCCAAGCGAATCCG[G>T]GATGGAGGTGATGGGGCCGGGGCCGGGAGCCCAGCCTTGTCCAGGGCCCCCAGCCGCAGC-3'
Protein context (NP_003915.2, residues 274-294): APGPGPITSI[Pro284Thr]DSLGGPFASV